The following continues an entry in ClinVar:

NM_000275.3(OCA2):c.1441G>A (p.Ala481Thr)

Gene: OCA2. ClinVar aggregate classification (germline): Conflicting classifications of pathogenicity. Likely pathogenic (2); Uncertain significance (6); Benign (6); Likely benign (2).

Submissions 11 to 17 of 17:

Institute for Genomic Medicine, Nationwide Children's Hospital
Classification: Likely pathogenic for Tyrosinase-positive oculocutaneous albinism. Last evaluated: 2021-04-20. Review status: criteria provided, single submitter. Criteria: ACMG Guidelines, 2015. Collection method: research. Allele origin: germline. Inheritance: Autosomal recessive inheritance. Affected: yes. Observed: 1 homozygote.
Comment: The p.Ala481Thr variant in OCA2 was identified by research genome sequencing and shown to segregate with disease in a Pakistani kindred with autosomal recessive ocular albinism (PMID: 34476810). The variant is predicted to cause a missense change (p.Ala481Thr) that is damaging according to many in silico tools including REVEL (0.72). It has been reported in OCA2 patients of Chinese (PMID: 34707637), European (PMID: 8302318) or Japanese (PMID: 31141302) ancestry, either in homozygous form or compound-heterozygous with another variant. The phenotype of patients harboring p.Ala481Thr variants is often described as less severe and its pathogenicity is much debated in the literature. The widely-cited functional impact for this variant (70% of wild-type activity) derives from a single experiment reported more than two decades ago. In 1997, Sviderskaya et al performed complementation studies of melanocytes and melanoblasts from OCA2-null mice in which transfection of mutant p.Ala481Thr cDNAs results in only partial melanin biosynthesis and hypopigmentation compared to transfection with wildtype cDNAs (PMID: 8980282). Many studies arguing against the pathogenicity of this variant originate from a research team in Japan, where the population prevalence of p.Ala481Thr is the highest (MAF ~0.051 in gnoMADv4) and it has been seen in homozygous form in both OCA2 patients and normally-pigmented homozygous carriers (PMIDs 12687678, 12713581). Population studies in East Asia have demonstrated that the derived allele is primarily restricted to northern East Asia (PMID: PMIDs: 17568986, 27081560). It is also common among North European Finnish individuals (MAF ~0.47 in gnoMADv4). This geographic distribution combined with the genetic association of p.Ala481Thr with skin pigmentation (PMID 25809079) is consistent with convergent evolution in East Asia and Europe ((PMIDs: 17182896, 17233754, 22065085). The latest release of the gnomAD database (v4) includes many more individuals from South Asia in which the p.Ala481Thr variant is very rare (MAF~0.0009). This supports the notion that population ancestry and selection history should be considered when interpreting the prevalence of this variant and its apparent phenotype. We consider the variant likely pathogenic.

Mendelics
Classification: Benign for Tyrosinase-positive oculocutaneous albinism. Last evaluated: 2019-05-28. Review status: criteria provided, single submitter. Criteria: Mendelics Assertion Criteria 2017. Collection method: clinical testing. Allele origin: unknown.

GeneDx
Classification: Benign. Last evaluated: 2018-01-04. Review status: criteria provided, single submitter. Criteria: GeneDx Variant Classification Process June 2021. Collection method: clinical testing. Allele origin: germline. Affected: yes.
Comment: Does not cause OCA2 by itself, even when present in the homozygous state, but may result in a mild form of OCA2 when present in trans with a null or nearly null allele (Suzuki et al., 2003; Kawai et al., 2005; Wei et al., 2013); Observed more frequently in individuals with lighter iris and skin pigmentation than in controls in cohort studies (Abe et al., 2013; Eaton et al., 2015; Andersen et al., 2016); Published functional studies demonstrate that this variant retains approximately 70% of wildtype protein function (Sviderskaya et al., 1997); Reported as a common benign variant in individuals of East Asian background, and individuals homozygous for A481T were reported to have normal pigmentation for their ethnicity (Yuasa et al., 2007); This variant is associated with the following publications: (PMID: 23324268, 15942220, 20981092, 8302318, 12727022, 10905897, 17008060, 25333069, 30414346, 31077556, 34426522, 31719542, 25809079, 32901917, 23165166, 24617981, 17568986, 8980282, 12687678, 27468418)

Illumina Laboratory Services, Illumina
Classification: Benign for Tyrosinase-positive oculocutaneous albinism. Last evaluated: 2017-04-27. Review status: criteria provided, single submitter. Criteria: ICSL Variant Classification Criteria 13 December 2019. Collection method: clinical testing. Allele origin: germline.
Comment: This variant was observed as part of a predisposition screen in an ostensibly healthy population. A literature search was performed for the gene, cDNA change, and amino acid change (where applicable). Publications were found based on this search. The evidence from the literature, in combination with allele frequency data from public databases where available, was sufficient to rule this variant out of causing disease. Therefore, this variant is classified as benign.

Laboratory for Molecular Medicine, Mass General Brigham Personalized Medicine
Classification: Likely benign. Last evaluated: 2016-03-28. Review status: criteria provided, single submitter. Criteria: LMM Criteria. Collection method: clinical testing. Allele origin: germline.
Comment: Variant identified in a genome or exome case(s) and assessed due to predicted null impact of the variant or pathogenic assertions in the literature or databases. Disclaimer: This variant has not undergone full assessment. Transfection of mouse melanocytes with human OCA2 Ala481Thr cDNA resulted in 70% functional activity (Sviderskaya 1997; full text not available). Variant has 4.7% frequency in European population and 20 homozygotes reported in ExAC. ClinVar classification is based on OMIM. Based on the frequency and the studies reporting this variant, it is likely to be a benign variant and lead to a subclinical phenotype at most, therefore does not meet criteria for reporting in BabySeq.

Juno Genomics, Hangzhou Juno Genomics, Inc
Classification: Uncertain significance for SKIN/HAIR/EYE PIGMENTATION 1, BLUE/NONBLUE EYES; Tyrosinase-positive oculocutaneous albinism. Review status: criteria provided, single submitter. Criteria: ACMG Guidelines, 2015. Collection method: clinical testing. Allele origin: germline.
Comment: Allele frequency is greater than expected for disorder.;Observed in a healthy adult individual for a recessive/dominant/X-linked disorder with full penetrance.;For recessive disorders, detected in trans with a pathogenic variant.;Patient's phenotype or family history is highly specific for a disease with a single genetic etiology.;Well-established in vitro or in vivo functional studies supportive of a damaging effect on the gene or gene product.

OMIM
Classification: Pathogenic for ALBINISM, OCULOCUTANEOUS, TYPE II. Last evaluated: 2007-01-01. Review status: no assertion criteria provided. Collection method: literature only. Allele origin: germline. Not counted in ClinVar's aggregate classification.

Literature cited by the submitters: PubMed 8980282 (cited by 4 submitters); PubMed 17568986 (cited by 5 submitters); PubMed 31196117 (cited by 3billion and Victorian Clinical Genetics Services, Murdoch Childrens Research Institute); PubMed 10905897 (cited by Laboratory of Genetic Epidemiology, Research Centre for Medical Genetics); PubMed 25809079 (cited by 3 submitters); PubMed 37471664 (cited by Laboratory of Genetic Epidemiology, Research Centre for Medical Genetics); PubMed 41428507 (cited by Laboratory of Genetic Epidemiology, Research Centre for Medical Genetics); PubMed 24518832 (cited by Victorian Clinical Genetics Services, Murdoch Childrens Research Institute); PubMed 31719542 (cited by Victorian Clinical Genetics Services, Murdoch Childrens Research Institute); PubMed 32741191 (cited by Victorian Clinical Genetics Services, Murdoch Childrens Research Institute); PubMed 8302318 (cited by Illumina Laboratory Services, Illumina and OMIM); PubMed 12687678 (cited by OMIM).